The following is an entry in ClinVar:

ClinVar aggregate classification (germline): Likely benign. Review status: criteria provided, multiple submitters, no conflicts (2 of 4 stars). 3 submissions from 3 submitters: Likely benign (3). Last evaluated 2026-02-19.

Conditions:
FHOD3-related disorder. Also called: FHOD3-related condition.

gnomAD v4.1: 352 of 1,579,808 alleles (0.022%); highest among the groups gnomAD compares: Admixed American, 0.073%; 1 homozygote.

Submissions (3):

PreventionGenetics, part of Exact Sciences
Classification: Likely benign for FHOD3-related condition. Last evaluated: 2026-02-19. Review status: criteria provided, single submitter. Criteria: ACMG Guidelines, 2015. Collection method: clinical testing. Allele origin: germline.
Comment: This variant is classified as likely benign based on ACMG/AMP sequence variant interpretation guidelines (Richards et al. 2015 PMID: 25741868, with internal and published modifications).

Molecular Diagnostic Laboratory for Inherited Cardiovascular Disease, Montreal Heart Institute
Classification: Likely benign. Last evaluated: 2025-04-09. Review status: criteria provided, single submitter. Criteria: ACMG Guidelines, 2015. Collection method: clinical testing. Allele origin: germline. Affected: no.

Blueprint Genetics
Classification: Likely benign. Last evaluated: 2024-06-27. Review status: criteria provided, single submitter. Criteria: ACMG Guidelines, 2015. Collection method: clinical testing. Allele origin: germline.

NM_001281740.3(FHOD3):c.1044C>T (p.Ser348=)

Gene: FHOD3 (formin homology 2 domain containing 3; plus strand). Cytogenetic location: 18q12.2.
Variant type: single nucleotide variant.
Coding change: c.1044C>T on transcript NM_001281740.3 (MANE Select); coding-DNA position 1044, C replaced by T.
Protein change: p.Ser348=; no amino-acid change (serine 348 retained).
Molecular consequence: synonymous variant.
Genome position (GRCh38, 1-based): chr18:36,625,597, C>T. VCF-style: chr18-36625597-C-T. GRCh37 (hg19) VCF-style: chr18-34205560-C-T.
Other names: c.1044C>T (NM_001281740.2); c.1044C>T, p.Ser348= (NM_001281739.3, NM_025135.5).
Identifiers: ClinVar variation 3895038 (VCV003895038.3), dbSNP rs137982690.